The following is an entry in ClinVar:

NM_001330078.2(NRXN1):c.3417G>A (p.Trp1139Ter)

Gene: NRXN1 (neurexin 1; minus strand). Cytogenetic location: 2p16.3.
Variant type: single nucleotide variant.
Coding change: c.3417G>A on transcript NM_001330078.2 (MANE Select); coding-DNA position 3417, G replaced by A.
Protein change: p.Trp1139Ter; replaces tryptophan 1139 with a stop codon.
Molecular consequence: nonsense.
Genome position (GRCh38, 1-based): chr2:50,236,918, C>T on the plus strand (G>A on the coding strand, the complement: NRXN1 is on the minus strand). VCF-style: chr2-50236918-C-T. GRCh37 (hg19) VCF-style: chr2-50464056-C-T.
Other names: c.3537G>A, p.Trp1179Ter (NM_001135659.3); c.3393G>A, p.Trp1131Ter (NM_001330077.2, NM_001330082.2); c.3351G>A, p.Trp1117Ter (NM_001330083.2, NM_001330084.2); c.3390G>A, p.Trp1130Ter (NM_001330085.2); c.3417G>A, p.Trp1139Ter (NM_001330086.2, NM_004801.6); c.3306G>A, p.Trp1102Ter (NM_001330087.2, NM_001330096.2); c.3336G>A, p.Trp1112Ter (NM_001330088.2); c.312G>A, p.Trp104Ter (NM_001330091.2, NM_001330092.2, NM_001330097.2 and 1 more transcripts); and 3 more; short protein forms W1112*, W1117*, W1130*, W1139*, W1102*, W1122*, W1131*, W1138*.
Identifiers: ClinVar variation 4727842 (VCV004727842.1).

ClinVar aggregate classification (germline): Pathogenic (1 of 4 stars; one submission).

Conditions:
Pitt-Hopkins-like syndrome 2 (PTHSL2). Identifiers: Orphanet 221150, Orphanet 600663, MedGen C3280479, MONDO:0013690, OMIM 614325.

Submission:

Labcorp Genetics (formerly Invitae), Labcorp
Classification: Pathogenic for Pitt-Hopkins-like syndrome 2. Last evaluated: 2025-10-02. Review status: criteria provided, single submitter. Criteria: Invitae Variant Classification Sherloc (09022015). Collection method: clinical testing. Allele origin: germline.
Comment: This sequence change creates a premature translational stop signal (p.Trp1179*) in the NRXN1 gene. It is expected to result in an absent or disrupted protein product. Loss-of-function variants in NRXN1 are known to be pathogenic (PMID: 19896112, 21964664, 23495017, 23533028, 25149956, 30031152). This variant is not present in population databases (gnomAD no frequency). This variant has not been reported in the literature in individuals affected with NRXN1-related conditions. For these reasons, this variant has been classified as Pathogenic.

Literature cited by the submitters: PubMed 19896112; PubMed 21964664; PubMed 23495017; PubMed 23533028; PubMed 25149956; PubMed 30031152.